The following is an entry in ClinVar:

NM_181078.3(IL21R):c.1610C>T (p.Ala537Val)

Genes: IL21R (interleukin 21 receptor; plus strand), IL21R-AS1 (IL21R antisense RNA 1; minus strand). Cytogenetic location: 16p12.1.
Variant type: single nucleotide variant.
Coding change: c.1610C>T on transcript NM_181078.3 (MANE Select); coding-DNA position 1610, C replaced by T.
Protein change: p.Ala537Val; replaces alanine 537 with valine.
Molecular consequence: missense variant. On other transcripts: non-coding transcript variant (1).
Genome position (GRCh38, 1-based): chr16:27,449,276, C>T. VCF-style: chr16-27449276-C-T. GRCh37 (hg19) VCF-style: chr16-27460597-C-T.
Other names: c.1610C>T, p.Ala537Val (NM_021798.4); c.1676C>T, p.Ala559Val (NM_181079.5); short protein forms A537V, A559V.
Identifiers: ClinVar variation 1450976 (VCV001450976.6), dbSNP rs530838561, ClinGen allele CA7975240.
Genomic context (GRCh38, chr16:27,449,276, plus strand): 5'-GGAGCTACCTCCGCCAGTGGGTGGTCATTCCTCCGCCACTTTCGAGCCCTGGACCCCAGG[C>T]CAGCTAATGAGGCTGACTGGATGTCCAGAGCTGGCCAGGCCACTGGGCCCTGAGCCAGAG-3'
Protein context (NP_851564.1, residues 527-538): PPPLSSPGPQ[Ala537Val]S

ClinVar aggregate classification (germline): Uncertain significance (1 of 4 stars; one submission).

Conditions:
Cryptosporidiosis-chronic cholangitis-liver disease syndrome. Also called: Immunodeficiency type 56; IL21R immunodeficiency. Identifiers: Orphanet 357329, MedGen C3554687, MONDO:0014082, OMIM 615207.

Allele frequency attached by ClinVar (database versions not stated): gnomAD 0.00001 and 0.00002; gnomAD exomes 0.00001; ExAC 0.00002; TOPMed 0.00007; 1000 Genomes Project 30x 0.00016; 1000 Genomes Project 0.00020.
gnomAD v4.1: 5 of 1,594,504 alleles (0.00031%); highest among the groups gnomAD compares: Admixed American, 0.0068%; no homozygotes.

Submission:

Labcorp Genetics (formerly Invitae), Labcorp
Classification: Uncertain significance for Cryptosporidiosis-chronic cholangitis-liver disease syndrome. Last evaluated: 2023-11-28. Review status: criteria provided, single submitter. Criteria: Invitae Variant Classification Sherloc (09022015). Collection method: clinical testing. Allele origin: germline.
Comment: This sequence change replaces alanine, which is neutral and non-polar, with valine, which is neutral and non-polar, at codon 537 of the IL21R protein (p.Ala537Val). This variant is present in population databases (rs530838561, gnomAD 0.006%). This variant has not been reported in the literature in individuals affected with IL21R-related conditions. ClinVar contains an entry for this variant (Variation ID: 1450976). An algorithm developed to predict the effect of missense changes on protein structure and function (PolyPhen-2) suggests that this variant is likely to be disruptive. Algorithms developed to predict the effect of sequence changes on RNA splicing suggest that this variant may create or strengthen a splice site. In summary, the available evidence is currently insufficient to determine the role of this variant in disease. Therefore, it has been classified as a Variant of Uncertain Significance.